The following is an entry in ClinVar:

ClinVar aggregate classification (germline): Uncertain significance. Review status: criteria provided, multiple submitters, no conflicts (2 of 4 stars). 2 submissions from 2 submitters: Uncertain significance (2). Last evaluated 2021-06-22.

Conditions:
Connective tissue disorder. Also called: Connective tissue disease. Identifiers: MedGen C0009782, MONDO:0003900.

Submissions (2):

Labcorp Genetics (formerly Invitae), Labcorp
Classification: Uncertain significance. Last evaluated: 2021-06-22. Review status: criteria provided, single submitter. Criteria: Invitae Variant Classification Sherloc (09022015). Collection method: clinical testing. Allele origin: germline.
Comment: In summary, the available evidence is currently insufficient to determine the role of this variant in disease. Therefore, it has been classified as a Variant of Uncertain Significance. Algorithms developed to predict the effect of missense changes on protein structure and function are either unavailable or do not agree on the potential impact of this missense change (SIFT: "Deleterious"; PolyPhen-2: "Probably Damaging"; Align-GVGD: "Class C0"). This variant has not been reported in the literature in individuals affected with FGFR3-related conditions. This variant is not present in population databases (ExAC no frequency). This sequence change replaces valine with methionine at codon 271 of the FGFR3 protein (p.Val271Met). The valine residue is highly conserved and there is a small physicochemical difference between valine and methionine.

Genome Diagnostics Laboratory, The Hospital for Sick Children
Classification: Uncertain significance for Connective tissue disorder. Last evaluated: 2019-04-26. Review status: criteria provided, single submitter. Criteria: ACMG Guidelines, 2015. Collection method: clinical testing. Allele origin: germline.

NM_000142.5(FGFR3):c.811G>A (p.Val271Met)

Gene: FGFR3 (fibroblast growth factor receptor 3; plus strand). Cytogenetic location: 4p16.3.
Variant type: single nucleotide variant.
Coding change: c.811G>A on transcript NM_000142.5 (MANE Select); coding-DNA position 811, G replaced by A.
Protein change: p.Val271Met; replaces valine 271 with methionine.
Molecular consequence: missense variant. On other transcripts: non-coding transcript variant (1).
Genome position (GRCh38, 1-based): chr4:1,801,906, G>A. VCF-style: chr4-1801906-G-A. GRCh37 (hg19) VCF-style: chr4-1803633-G-A.
Other names: c.811G>A, p.Val271Met (NM_001163213.2, NM_001354809.2, NM_001354810.2 and 1 more transcripts); short protein forms V271M.
Identifiers: ClinVar variation 1680035 (VCV001680035.11), dbSNP rs1445397378, ClinGen allele CA355976277.